The following is an entry in ClinVar:

NM_206933.4(USH2A):c.2859C>A (p.Cys953Ter)

Genes: USH2A (usherin; minus strand), USH2A-AS1 (USH2A antisense RNA 1; plus strand). Cytogenetic location: 1q41.
Variant type: single nucleotide variant.
Coding change: c.2859C>A on transcript NM_206933.4 (MANE Select); coding-DNA position 2859, C replaced by A.
Protein change: p.Cys953Ter; replaces cysteine 953 with a stop codon.
Molecular consequence: nonsense.
Genome position (GRCh38, 1-based): chr1:216,232,087, G>T on the plus strand (C>A on the coding strand, the complement: USH2A is on the minus strand). VCF-style: chr1-216232087-G-T. GRCh37 (hg19) VCF-style: chr1-216405429-G-T.
Other names: c.2859C>A, p.Cys953Ter (NM_007123.6); short protein forms C953*.
Identifiers: ClinVar variation 3720280 (VCV003720280.2).

ClinVar aggregate classification (germline): Pathogenic (1 of 4 stars; one submission).

Submission:

Labcorp Genetics (formerly Invitae), Labcorp
Classification: Pathogenic. Last evaluated: 2024-02-07. Review status: criteria provided, single submitter. Criteria: Invitae Variant Classification Sherloc (09022015). Collection method: clinical testing. Allele origin: germline.
Comment: This sequence change creates a premature translational stop signal (p.Cys953*) in the USH2A gene. It is expected to result in an absent or disrupted protein product. Loss-of-function variants in USH2A are known to be pathogenic (PMID: 10729113, 10909849, 20507924, 25649381). This variant is not present in population databases (gnomAD no frequency). This premature translational stop signal has been observed in individual(s) with USH2A-related conditions and/or Usher syndrome (PMID: 27460420, 36460718). For these reasons, this variant has been classified as Pathogenic.

Literature cited by the submitters: PubMed 10729113; PubMed 10909849; PubMed 20507924; PubMed 25649381; PubMed 27460420; PubMed 36460718.